The following is an entry in ClinVar:

NM_001206927.2(DNAH8):c.3076G>T (p.Gly1026Cys)

Gene: DNAH8 (dynein axonemal heavy chain 8; plus strand). Cytogenetic location: 6p21.2.
Variant type: single nucleotide variant.
Coding change: c.3076G>T on transcript NM_001206927.2 (MANE Select); coding-DNA position 3076, G replaced by T.
Protein change: p.Gly1026Cys; replaces glycine 1026 with cysteine.
Molecular consequence: missense variant.
Genome position (GRCh38, 1-based): chr6:38,805,522, G>T. VCF-style: chr6-38805522-G-T. GRCh37 (hg19) VCF-style: chr6-38773298-G-T.
Other names: c.2425G>T, p.Gly809Cys (NM_001371.4); short protein forms G809C, G1026C.
Identifiers: ClinVar variation 4984042 (VCV004984042.1).

ClinVar aggregate classification (germline): Uncertain significance (1 of 4 stars; one submission).

Conditions:
DNAH8-related disorder. Also called: DNAH8-related condition.

gnomAD v4.1: 4 of 1,610,552 alleles (0.00025%); no homozygotes.

Submission:

PreventionGenetics, part of Exact Sciences
Classification: Uncertain significance for DNAH8-related condition. Last evaluated: 2026-06-28. Review status: criteria provided, single submitter. Criteria: ACMG Guidelines, 2015. Collection method: clinical testing. Allele origin: germline.
Comment: The DNAH8 c.3076G>T variant is predicted to result in the amino acid substitution p.Gly1026Cys. To our knowledge, this variant has not been reported in the literature or in a large population database (gnomAD), indicating this variant is rare. At this time, the clinical significance of this variant is uncertain due to the absence of conclusive functional and genetic evidence.